The following is an entry in ClinVar:

NM_006087.4(TUBB4A):c.722G>C (p.Arg241Pro)

Gene: TUBB4A (tubulin beta 4A class IVa; minus strand). Cytogenetic location: 19p13.3.
Variant type: single nucleotide variant.
Coding change: c.722G>C on transcript NM_006087.4 (MANE Select); coding-DNA position 722, G replaced by C.
Protein change: p.Arg241Pro; replaces arginine 241 with proline.
Molecular consequence: missense variant.
Genome position (GRCh38, 1-based): chr19:6,495,777, C>G on the plus strand (G>C on the coding strand, the complement: TUBB4A is on the minus strand). VCF-style: chr19-6495777-C-G. GRCh37 (hg19) VCF-style: chr19-6495788-C-G.
Other names: c.875G>C, p.Arg292Pro (NM_001289123.2); c.857G>C, p.Arg286Pro (NM_001289127.2); c.722G>C, p.Arg241Pro (NM_001289129.2); c.506G>C, p.Arg169Pro (NM_001289130.2, NM_001289131.2); short protein forms R169P, R241P, R286P, R292P.
Identifiers: ClinVar variation 1697257 (VCV001697257.3), dbSNP rs756958534, ClinGen allele CA403591328.
Genomic context (GRCh38, chr19:6,495,777, plus strand): 5'-GGAAAGGGAACCATGTTGACGGCCAGCTTGCGCAGGTCGGCGTTCAGCTGGCCCGGGAAG[C>G]GCAGGCAGGTGGTGACCCCGCTCATGGTGGCCGACACCAGGTGGTTGAGGTCCCCGTAGG-3'
Protein context (NP_006078.2, residues 231-251): ATMSGVTTCL[Arg241Pro]FPGQLNADLR

ClinVar aggregate classification (germline): Uncertain significance (1 of 4 stars; one submission).

Conditions:
Torsion dystonia 4. Also called: DYSTONIA MUSCULORUM DEFORMANS 4; DYT-TUBB4A (Autosomal Dominant Torsion Dystonia). Identifiers: Orphanet 98805, MedGen C1851943, MONDO:0007493, OMIM 128101.

Submission:

Institute of Human Genetics, University of Goettingen
Classification: Uncertain significance for Torsion dystonia 4. Last evaluated: 2022-07-21. Review status: criteria provided, single submitter. Criteria: ACMG Guidelines, 2015. Collection method: clinical testing. Allele origin: unknown. Inheritance: Autosomal dominant inheritance. Observed: 1 heterozygote.
Comment: The variant c.722G>C (p.(Arg241Pro)) in exon 4 of the TUBB4A-gene is not found in the gnomAD database, it affects a highly conserved nucleotide, a highly conserved amino acid within a protein domain and there is a moderate physicochemical difference between Arg and Pro. This variant has a pathogenic computational verdict based on in silico predictions algorithms. ACMG criteria used for classification: PM2, PP2, PP3, BS2.